The following is an entry in ClinVar:

ClinVar aggregate classification (germline): Likely benign (1 of 4 stars; one submission).

Conditions:
Progressive sclerosing poliodystrophy (MTDPS4A). Also called: Alpers-Huttenlocher Syndrome (AHS); Alpers Syndrome; ALPERS PROGRESSIVE INFANTILE POLIODYSTROPHY; Mitochondrial DNA depletion syndrome 4A (Alpers type); ALPERS DIFFUSE DEGENERATION OF CEREBRAL GRAY MATTER WITH HEPATIC CIRRHOSIS; Alpers-Huttenlocher Syndrome. Identifiers: Orphanet 726, MedGen C0205710, MONDO:0008758, OMIM 203700.

Allele frequency attached by ClinVar (database versions not stated): gnomAD 0.00001; TOPMed 0.00001.
gnomAD v4.1: 6 of 1,535,780 alleles (0.00039%); highest among the groups gnomAD compares: Non-Finnish European, 0.00054%; no homozygotes.

Submission:

Wong Mito Lab, Molecular and Human Genetics, Baylor College of Medicine
Classification: Likely benign for Progressive sclerosing poliodystrophy. Last evaluated: 2018-10-01. Review status: criteria provided, single submitter. Criteria: ACMG Guidelines, 2015. Collection method: clinical testing. Allele origin: germline.
Comment: The NM_002693.2:c.2071-48G>T (NP_002684.1:p.=) [GRCH38: NC_000015.10:g.89323949C>A] variant in POLG gene is interpretated to be a Likely Benign based on ACMG guidelines (PMID: 25741868). This variant meets the following evidence codes reported in the ACMG-guideline. BP4:Computational evidence/predictors indicate no impact on the POLG structure, function, or protein-protein interaction. BP6:Reputable source(s) without shared data suggest the variant is benign. Based on the evidence criteria codes applied, the variant is suggested to be Likely Benign.

NM_002693.3(POLG):c.2071-48G>T

Gene: POLG (DNA polymerase gamma, catalytic subunit; minus strand). Cytogenetic location: 15q26.1.
Variant type: single nucleotide variant.
Coding change: c.2071-48G>T on transcript NM_002693.3 (MANE Select); 48 bases into the intron before coding-DNA position 2071, G replaced by T.
Molecular consequence: intron variant.
Genome position (GRCh38, 1-based): chr15:89,323,949, C>A on the plus strand (G>T on the coding strand, the complement: POLG is on the minus strand). VCF-style: chr15-89323949-C-A. GRCh37 (hg19) VCF-style: chr15-89867180-C-A.
Other names: c.2071-48G>T (NM_001126131.2).
Identifiers: ClinVar variation 619463 (VCV000619463.1), dbSNP rs1293230481, ClinGen allele CA10602314.